The following is an entry in ClinVar:

ClinVar aggregate classification (germline): Pathogenic/Likely pathogenic. Review status: criteria provided, multiple submitters, no conflicts (2 of 4 stars). 3 submissions from 3 submitters: Pathogenic (2); Likely pathogenic (1). Last evaluated 2024-01-04.

Conditions:
Autosomal recessive limb-girdle muscular dystrophy type 2N. Also called: MUSCULAR DYSTROPHY-DYSTROGLYCANOPATHY, LIMB-GIRDLE, POMT2-RELATED; Muscular dystrophy-dystroglycanopathy (limb-girdle), type C, 2. Identifiers: Orphanet 206559, MedGen C3150418, MONDO:0013162, OMIM 613158.
Muscular dystrophy-dystroglycanopathy (congenital with brain and eye anomalies), type A2. Also called: MUSCULAR DYSTROPHY-DYSTROGLYCANOPATHY (CONGENITAL WITH BRAIN AND EYE ANOMALIES), TYPE A, 2; WALKER-WARBURG SYNDROME OR MUSCLE-EYE-BRAIN DISEASE, POMT2-RELATED. Identifiers: Orphanet 588, Orphanet 899, MedGen C3150411, MONDO:0013154, OMIM 613150.
Muscular dystrophy-dystroglycanopathy (congenital with impaired intellectual development), type B, 2. Also called: Muscular dystrophy-dystroglycanopathy (congenital with intellectual disability), type B2; MUSCULAR DYSTROPHY, CONGENITAL, POMT2-RELATED. Identifiers: MedGen C3150416, MONDO:0013160, OMIM 613156.
Autosomal recessive limb-girdle muscular dystrophy. Identifiers: Orphanet 102015, MedGen C2931907, MONDO:0015152.

Allele frequency attached by ClinVar (database versions not stated): ExAC 0.00001.
gnomAD v4.1: 2 of 1,614,210 alleles (0.00012%); highest among the groups gnomAD compares: Non-Finnish European, 0.00017%; no homozygotes.

Submissions (3):

Labcorp Genetics (formerly Invitae), Labcorp
Classification: Pathogenic for Muscular dystrophy-dystroglycanopathy (congenital with impaired intellectual development), type B, 2; Muscular dystrophy-dystroglycanopathy (congenital with brain and eye anomalies), type A2; Autosomal recessive limb-girdle muscular dystrophy type 2N. Last evaluated: 2024-01-04. Review status: criteria provided, single submitter. Criteria: Invitae Variant Classification Sherloc (09022015). Collection method: clinical testing. Allele origin: germline.
Comment: This sequence change creates a premature translational stop signal (p.Trp262*) in the POMT2 gene. It is expected to result in an absent or disrupted protein product. Loss-of-function variants in POMT2 are known to be pathogenic (PMID: 15894594). This variant is present in population databases (rs200542239, gnomAD 0.0009%). This premature translational stop signal has been observed in individual(s) with muscular dystrophy-dystroglycanopathy (PMID: 24183756). ClinVar contains an entry for this variant (Variation ID: 2429238). Algorithms developed to predict the effect of sequence changes on RNA splicing suggest that this variant may disrupt the consensus splice site. For these reasons, this variant has been classified as Pathogenic.

Baylor Genetics
Classification: Pathogenic for Muscular dystrophy-dystroglycanopathy (congenital with brain and eye anomalies), type A2. Last evaluated: 2023-11-22. Review status: criteria provided, single submitter. Criteria: ACMG Guidelines, 2015. Collection method: clinical testing. Allele origin: unknown.

Women's Health and Genetics/Laboratory Corporation of America, LabCorp
Classification: Likely pathogenic for Autosomal recessive limb-girdle muscular dystrophy. Last evaluated: 2023-01-04. Review status: criteria provided, single submitter. Criteria: LabCorp Variant Classification Summary - May 2015. Collection method: clinical testing. Allele origin: germline.
Comment: Variant summary: POMT2 c.786G>A (p.Trp262X) results in a premature termination codon, predicted to cause a truncation of the encoded protein or absence of the protein due to nonsense mediated decay, which are commonly known mechanisms for disease. Truncations downstream of this position have been classified as pathogenic by our laboratory. The variant allele was found at a frequency of 4e-06 in 251476 control chromosomes. c.786G>A has been reported in the literature in at least one individual affected with Limb-Girdle Muscular Dystrophy, Autosomal Recessive. To our knowledge, no experimental evidence demonstrating an impact on protein function has been reported. No clinical diagnostic laboratories have submitted clinical-significance assessments for this variant to ClinVar after 2014. Based on the evidence outlined above, the variant was classified as likely pathogenic.

Literature cited by the submitters: PubMed 15894594 (cited by Labcorp Genetics (formerly Invitae), Labcorp); PubMed 24183756 (cited by Labcorp Genetics (formerly Invitae), Labcorp and Women's Health and Genetics/Laboratory Corporation of America, LabCorp).

NM_013382.7(POMT2):c.786G>A (p.Trp262Ter)

Gene: POMT2 (protein O-mannosyltransferase 2; minus strand). Cytogenetic location: 14q24.3.
Variant type: single nucleotide variant.
Coding change: c.786G>A on transcript NM_013382.7 (MANE Select); coding-DNA position 786, G replaced by A.
Protein change: p.Trp262Ter; replaces tryptophan 262 with a stop codon.
Molecular consequence: nonsense.
Genome position (GRCh38, 1-based): chr14:77,301,120, C>T on the plus strand (G>A on the coding strand, the complement: POMT2 is on the minus strand). VCF-style: chr14-77301120-C-T. GRCh37 (hg19) VCF-style: chr14-77767463-C-T.
Other names: short protein forms W262*.
Identifiers: ClinVar variation 2429238 (VCV002429238.8), dbSNP rs200542239, ClinGen allele CA7286092.